The following is an entry in ClinVar:

ClinVar aggregate classification (germline): Likely benign. Review status: criteria provided, multiple submitters, no conflicts (2 of 4 stars). 3 submissions from 3 submitters: Likely benign (3). Last evaluated 2025-08-01.

Conditions:
Wilms tumor 1 (WT1). Also called: Wilms tumor, somatic. Identifiers: Orphanet 654, MedGen CN033288, MONDO:0008679, OMIM 194070.
11p partial monosomy syndrome (WAGR). Also called: WAGR syndrome; CHROMOSOME 11p13 DELETION SYNDROME; WAGR Complex; WAGR Spectrum Disorder. Identifiers: Orphanet 893, MedGen C0206115, MONDO:0008681, OMIM 194072.
Drash syndrome (DDS). Also called: WILMS TUMOR AND PSEUDO- OR TRUE HERMAPHRODITISM; NEPHROPATHY, WILMS TUMOR, AND GENITAL ANOMALIES. Identifiers: Orphanet 220, MedGen C0950121, MONDO:0008682, OMIM 194080.
Frasier syndrome. Identifiers: Orphanet 347, MedGen C0950122, MeSH D052159, MONDO:0007635, OMIM 136680.
Inborn genetic diseases. Identifiers: MedGen C0950123, MeSH D030342.

Allele frequency attached by ClinVar (database versions not stated): gnomAD exomes below 0.00001.
gnomAD v4.1: 1 of 1,614,080 alleles (0.000062%); highest among the groups gnomAD compares: African/African-American, 0.0013%; no homozygotes.

Submissions (3):

CeGaT Center for Human Genetics Tuebingen
Classification: Likely benign. Last evaluated: 2025-08-01. Review status: criteria provided, single submitter. Criteria: CeGaT Center For Human Genetics Tuebingen Variant Classification Criteria Version 2. Collection method: clinical testing. Allele origin: germline. Affected: yes. Observed: 1 variant allele.
Comment: WT1: BP4, BP7

Ambry Genetics
Classification: Likely benign for Inborn genetic diseases. Last evaluated: 2025-02-25. Review status: criteria provided, single submitter. Criteria: Ambry Variant Classification Scheme 2023. Collection method: clinical testing. Allele origin: germline.

Labcorp Genetics (formerly Invitae), Labcorp
Classification: Likely benign for Wilms tumor 1; Drash syndrome; 11p partial monosomy syndrome; Frasier syndrome. Last evaluated: 2021-06-05. Review status: criteria provided, single submitter. Criteria: Invitae Variant Classification Sherloc (09022015). Collection method: clinical testing. Allele origin: germline.

NM_024426.6(WT1):c.1152A>G (p.Val384=)

Gene: WT1 (WT1 transcription factor; minus strand). Cytogenetic location: 11p13.
Variant type: single nucleotide variant.
Coding change: c.1152A>G on transcript NM_024426.6 (MANE Select); coding-DNA position 1152, A replaced by G.
Protein change: p.Val384=; no amino-acid change (valine 384 retained).
Molecular consequence: synonymous variant. On other transcripts: 5 prime UTR variant (1), non-coding transcript variant (2).
Genome position (GRCh38, 1-based): chr11:32,396,369, T>C on the plus strand (A>G on the coding strand, the complement: WT1 is on the minus strand). VCF-style: chr11-32396369-T-C. GRCh37 (hg19) VCF-style: chr11-32417915-T-C.
Other names: c.1101A>G, p.Val367= (NM_000378.6, NM_001407045.1, NM_001407048.1 and 1 more transcripts); c.501A>G, p.Val167= (NM_001198551.2); c.450A>G, p.Val150= (NM_001198552.2); c.-37A>G (NM_001367854.1); c.1146A>G, p.Val382= (NM_001407044.1); c.1152A>G, p.Val384= (NM_001407046.1, NM_024424.5); c.1029A>G, p.Val343= (NM_001407047.1); c.978A>G, p.Val326= (NM_001407050.1); and 3 more.
Identifiers: ClinVar variation 1086647 (VCV001086647.19), dbSNP rs2132941316, ClinGen allele CA473567182.